The following is an entry in ClinVar:

ClinVar aggregate classification (germline): Likely benign. Review status: criteria provided, single submitter (1 of 4 stars). 2 submissions from 2 submitters: Likely benign (1). 1 of the submissions does not count toward it. Last evaluated 2025-12-16.

Conditions:
SETX-related disorder. Also called: SETX-related disorders; SETX-related condition. Identifiers: MedGen CN239403.
Amyotrophic lateral sclerosis type 4 (ALS4). Also called: AMYOTROPHIC LATERAL SCLEROSIS 4, JUVENILE; NEURONOPATHY, DISTAL HEREDITARY MOTOR, WITH PYRAMIDAL FEATURES. Identifiers: Orphanet 357043, MedGen C1865409, MONDO:0011223, OMIM 602433.
Spinocerebellar ataxia, autosomal recessive, with axonal neuropathy 2 (SCAN2). Also called: Ataxia with Oculomotor Apraxia; Ataxia-ocular apraxia-2; ATAXIA-OCULOMOTOR APRAXIA 2; Ataxia with Oculomotor Apraxia Type 2. Identifiers: Orphanet 64753, MedGen C1853761, MONDO:0018996, OMIM 606002.

Allele frequency attached by ClinVar (database versions not stated): gnomAD exomes 0.00002 and 0.00007; ExAC 0.00004; TOPMed 0.00005; gnomAD 0.00006 and 0.00007; 1000 Genomes Project 30x 0.00016; 1000 Genomes Project 0.00020.

Submissions (2):

Labcorp Genetics (formerly Invitae), Labcorp
Classification: Likely benign for Amyotrophic lateral sclerosis type 4; Spinocerebellar ataxia, autosomal recessive, with axonal neuropathy 2. Last evaluated: 2025-12-16. Review status: criteria provided, single submitter. Criteria: Invitae Variant Classification Sherloc (09022015). Collection method: clinical testing. Allele origin: germline.

PreventionGenetics, part of Exact Sciences
Classification: Likely benign for SETX-related condition. Last evaluated: 2019-08-21. Review status: no assertion criteria provided. Collection method: clinical testing. Allele origin: germline. Not counted in ClinVar's aggregate classification.
Comment: This variant is classified as likely benign based on ACMG/AMP sequence variant interpretation guidelines (Richards et al. 2015 PMID: 25741868, with internal and published modifications).

NM_015046.7(SETX):c.2994C>T (p.Phe998=)

Gene: SETX (senataxin; minus strand). Cytogenetic location: 9q34.13.
Variant type: single nucleotide variant.
Coding change: c.2994C>T on transcript NM_015046.7 (MANE Select); coding-DNA position 2994, C replaced by T.
Protein change: p.Phe998=; no amino-acid change (phenylalanine 998 retained).
Molecular consequence: synonymous variant.
Genome position (GRCh38, 1-based): chr9:132,328,604, G>A on the plus strand (C>T on the coding strand, the complement: SETX is on the minus strand). VCF-style: chr9-132328604-G-A. GRCh37 (hg19) VCF-style: chr9-135203991-G-A.
Other names: c.2994C>T (NM_015046.5); c.2994C>T, p.Phe998= (NM_001351527.2, NM_001351528.2).
Identifiers: ClinVar variation 1116781 (VCV001116781.11), dbSNP rs534579992, ClinGen allele CA5297503.